The following is an entry in ClinVar:

NM_005257.6(GATA6):c.481G>T (p.Ala161Ser)

Gene: GATA6 (GATA binding protein 6; plus strand). Cytogenetic location: 18q11.2.
Variant type: single nucleotide variant.
Coding change: c.481G>T on transcript NM_005257.6 (MANE Select); coding-DNA position 481, G replaced by T.
Protein change: p.Ala161Ser; replaces alanine 161 with serine.
Molecular consequence: missense variant.
Genome position (GRCh38, 1-based): chr18:22,171,625, G>T. VCF-style: chr18-22171625-G-T. GRCh37 (hg19) VCF-style: chr18-19751586-G-T.
Other names: short protein forms A161S.
Identifiers: ClinVar variation 1014669 (VCV001014669.9), dbSNP rs559922666, ClinGen allele CA8908893.

ClinVar aggregate classification (germline): Uncertain significance (1 of 4 stars; one submission).

Conditions:
Atrioventricular septal defect 5 (AVSD5). Identifiers: MedGen C3280939, MONDO:0013769, OMIM 614474.

Allele frequency attached by ClinVar (database versions not stated): gnomAD below 0.00001 and 0.00001; TOPMed 0.00002; gnomAD exomes 0.00003 and 0.00007; ExAC 0.00010; 1000 Genomes Project 30x 0.00016; 1000 Genomes Project 0.00020.
gnomAD v4.1: 42 of 1,597,066 alleles (0.0026%); highest among the groups gnomAD compares: Middle Eastern, 0.05%; no homozygotes.

Submission:

Labcorp Genetics (formerly Invitae), Labcorp
Classification: Uncertain significance for Atrioventricular septal defect 5. Last evaluated: 2023-12-02. Review status: criteria provided, single submitter. Criteria: Invitae Variant Classification Sherloc (09022015). Collection method: clinical testing. Allele origin: germline.
Comment: This sequence change replaces alanine, which is neutral and non-polar, with serine, which is neutral and polar, at codon 161 of the GATA6 protein (p.Ala161Ser). This variant is present in population databases (rs559922666, gnomAD 0.04%), and has an allele count higher than expected for a pathogenic variant. This variant has not been reported in the literature in individuals affected with GATA6-related conditions. ClinVar contains an entry for this variant (Variation ID: 1014669). Advanced modeling of protein sequence and biophysical properties (such as structural, functional, and spatial information, amino acid conservation, physicochemical variation, residue mobility, and thermodynamic stability) performed at Invitae indicates that this missense variant is not expected to disrupt GATA6 protein function with a negative predictive value of 80%. In summary, the available evidence is currently insufficient to determine the role of this variant in disease. Therefore, it has been classified as a Variant of Uncertain Significance.